The following is an entry in ClinVar:

NM_018124.4(RFWD3):c.1234C>A (p.Gln412Lys)

Gene: RFWD3 (ring finger and WD repeat domain 3; minus strand). Cytogenetic location: 16q23.1.
Variant type: single nucleotide variant.
Coding change: c.1234C>A on transcript NM_018124.4 (MANE Select); coding-DNA position 1234, C replaced by A.
Protein change: p.Gln412Lys; replaces glutamine 412 with lysine.
Molecular consequence: missense variant.
Genome position (GRCh38, 1-based): chr16:74,636,538, G>T on the plus strand (C>A on the coding strand, the complement: RFWD3 is on the minus strand). VCF-style: chr16-74636538-G-T. GRCh37 (hg19) VCF-style: chr16-74670436-G-T.
Other names: c.1234C>A, p.Gln412Lys (NM_001370534.1, NM_001370535.1, NM_001370536.1); c.400C>A, p.Gln134Lys (NM_001370537.1, NM_001370539.1, NM_001370540.1 and 3 more transcripts); short protein forms Q134K, Q412K.
Identifiers: ClinVar variation 2181949 (VCV002181949.4), dbSNP rs149000471, ClinGen allele CA8169268.

ClinVar aggregate classification (germline): Uncertain significance (1 of 4 stars; one submission).

Allele frequency attached by ClinVar (database versions not stated): ExAC 0.00015; gnomAD 0.00029; TOPMed 0.00039; ESP Exome Variant Server 0.00054; 1000 Genomes Project 30x 0.00125; 1000 Genomes Project 0.00160.
gnomAD v4.1: 99 of 1,613,922 alleles (0.0061%); highest among the groups gnomAD compares: African/African-American, 0.12%; no homozygotes.

Submission:

Labcorp Genetics (formerly Invitae), Labcorp
Classification: Uncertain significance. Last evaluated: 2025-12-19. Review status: criteria provided, single submitter. Criteria: Invitae Variant Classification Sherloc (09022015). Collection method: clinical testing. Allele origin: germline.
Comment: This sequence change replaces glutamine, which is neutral and polar, with lysine, which is basic and polar, at codon 412 of the RFWD3 protein (p.Gln412Lys). This variant is present in population databases (rs149000471, gnomAD 0.1%), and has an allele count higher than expected for a pathogenic variant. This variant has not been reported in the literature in individuals affected with RFWD3-related conditions. ClinVar contains an entry for this variant (Variation ID: 2181949). An algorithm developed to predict the effect of missense changes on protein structure and function outputs the following: PolyPhen-2: "Benign". The lysine amino acid residue is found in multiple mammalian species, which suggests that this missense change does not adversely affect protein function. In summary, the available evidence is currently insufficient to determine the role of this variant in disease. Therefore, it has been classified as a Variant of Uncertain Significance.